The following is an entry in ClinVar:

ClinVar aggregate classification (germline): Benign/Likely benign. Review status: criteria provided, multiple submitters, no conflicts (2 of 4 stars). 25 submissions from 24 submitters: Benign (13); Likely benign (6). 6 of the submissions do not count toward it. Last evaluated 2026-09-01.

Conditions:
Cardiovascular phenotype. Identifiers: MedGen CN230736.
Cardiomyopathy (CMYO). Also called: Cardiomyopathies. Identifiers: Orphanet 167848, MedGen C0878544, MONDO:0004994, HP:0001638. Inheritance: Various modes of inheritance.
Catecholaminergic polymorphic ventricular tachycardia 1. Also called: RYR2-Related Catecholaminergic Polymorphic Ventricular Tachycardia; VENTRICULAR TACHYCARDIA, STRESS-INDUCED POLYMORPHIC 1; VENTRICULAR TACHYCARDIA, CATECHOLAMINERGIC POLYMORPHIC, 1, WITH OR WITHOUT ATRIAL DYSFUNCTION AND/OR DILATED CARDIOMYOPATHY. Identifiers: Orphanet 3286, MedGen C1631597, MONDO:0011484, OMIM 604772.
Arrhythmogenic right ventricular dysplasia 2. Identifiers: MedGen C1832931.
Catecholaminergic polymorphic ventricular tachycardia (CVPT). Also called: Catecholamine-induced polymorphic ventricular tachycardia. Identifiers: Orphanet 3286, MedGen C5574922, MONDO:0017990.

Allele frequency attached by ClinVar (database versions not stated): ExAC 0.00706; gnomAD 0.00724 and 0.00737; TOPMed 0.00643; 1000 Genomes Project 0.00240; ESP Exome Variant Server 0.00951; gnomAD exomes 0.01037 and 0.00683; 1000 Genomes Project 30x 0.00219.
gnomAD v4.1: 16,075 of 1,613,936 alleles (1%); highest among the groups gnomAD compares: Non-Finnish European, 1.2%; 128 homozygotes.

Submissions (25):

CeGaT Center for Human Genetics Tuebingen
Classification: Benign. Last evaluated: 2026-09-01. Review status: criteria provided, single submitter. Criteria: CeGaT Center For Human Genetics Tuebingen Variant Classification Criteria Version 2. Collection method: clinical testing. Allele origin: germline. Affected: yes. Observed: 38 variant alleles.
Comment: RYR2: BS1, BS2

Labcorp Genetics (formerly Invitae), Labcorp
Classification: Benign for Catecholaminergic polymorphic ventricular tachycardia 1. Last evaluated: 2026-02-03. Review status: criteria provided, single submitter. Criteria: Invitae Variant Classification Sherloc (09022015). Collection method: clinical testing. Allele origin: germline.

Molecular Diagnostic Laboratory for Inherited Cardiovascular Disease, Montreal Heart Institute
Classification: Likely benign. Last evaluated: 2025-04-08. Review status: criteria provided, single submitter. Criteria: ACMG Guidelines, 2015. Collection method: clinical testing. Allele origin: germline. Affected: no.
Comment: BS1;BP4

Blueprint Genetics
Classification: Likely benign. Last evaluated: 2024-11-25. Review status: criteria provided, single submitter. Criteria: ACMG Guidelines, 2015. Collection method: clinical testing. Allele origin: germline.

All of Us Research Program, National Institutes of Health
Classification: Benign for Catecholaminergic polymorphic ventricular tachycardia. Last evaluated: 2024-09-27. Review status: criteria provided, single submitter. Criteria: ACMG Guidelines, 2015. Collection method: clinical testing. Allele origin: germline. Inheritance: Autosomal dominant inheritance. Observed: 2,619 variant alleles, 2,594 heterozygotes, 23 homozygotes, 2 hemizygotes.
Comment: This study involves interpretation of variants in research participants for the purpose of population health screening. Participant phenotype was not available at the time of variant classification. Additional details can be found in publication PMID: 35346344, PMCID: PMC8962531

ARUP Laboratories, Molecular Genetics and Genomics, ARUP Laboratories
Classification: Benign. Last evaluated: 2023-11-09. Review status: criteria provided, single submitter. Criteria: ARUP Molecular Germline Variant Investigation Process 2024. Collection method: clinical testing. Allele origin: germline.

Color Diagnostics, LLC DBA Color Health
Classification: Benign for Cardiomyopathy. Last evaluated: 2018-03-16. Review status: criteria provided, single submitter. Criteria: ACMG Guidelines, 2015. Collection method: clinical testing. Allele origin: germline.

Illumina Laboratory Services, Illumina
Classification: Benign for Catecholaminergic polymorphic ventricular tachycardia 1. Last evaluated: 2018-02-09. Review status: criteria provided, single submitter. Criteria: ICSL Variant Classification Criteria 13 December 2019. Collection method: clinical testing. Allele origin: germline.
Comment: This variant was observed as part of a predisposition screen in an ostensibly healthy population. A literature search was performed for the gene, cDNA change, and amino acid change (where applicable). Publications were found based on this search. The evidence from the literature, in combination with allele frequency data from public databases where available, was sufficient to rule this variant out of causing disease. Therefore, this variant is classified as benign.

Illumina Laboratory Services, Illumina
Classification: Likely benign for Catecholaminergic polymorphic ventricular tachycardia 1. Last evaluated: 2018-02-09. Review status: criteria provided, single submitter. Criteria: ICSL Variant Classification Criteria 13 December 2019. Collection method: clinical testing. Allele origin: germline.
Comment: This variant was observed as part of a predisposition screen in an ostensibly healthy population. A literature search was performed for the gene, cDNA change, and amino acid change (where applicable). No publications were found based on this search. Allele frequency data from public databases allowed determination this variant is unlikely to cause disease. Therefore, this variant is classified as likely benign.

Center for Advanced Laboratory Medicine, UC San Diego Health, University of California San Diego
Classification: Benign for Cardiomyopathy. Last evaluated: 2017-12-06. Review status: criteria provided, single submitter. Criteria: ACMG Guidelines, 2015. Collection method: clinical testing. Allele origin: germline. Affected: yes. Observed: 2 variant alleles.

Mayo Clinic Laboratories, Mayo Clinic
Classification: Benign. Last evaluated: 2017-10-30. Review status: criteria provided, single submitter. Criteria: ACMG Guidelines, 2015. Collection method: clinical testing. Allele origin: germline. Observed: 26 variant alleles.

CHEO Genetics Diagnostic Laboratory, Children's Hospital of Eastern Ontario
Classification: Likely benign for Cardiomyopathy. Last evaluated: 2017-09-21. Review status: criteria provided, single submitter. Criteria: ACMG Guidelines, 2015. Collection method: clinical testing. Allele origin: germline. Study: Canadian Open Genetics Repository.

Center for Pediatric Genomic Medicine, Children's Mercy Hospital and Clinics
Classification: Likely benign. Last evaluated: 2017-01-12. Review status: criteria provided, single submitter. Criteria: ACMG Guidelines, 2015. Collection method: clinical testing. Allele origin: germline.
ClinVar note: Converted during submission from Likely Benign to Likely benign.

Ambry Genetics
Classification: Benign for Cardiovascular phenotype. Last evaluated: 2015-07-09. Review status: criteria provided, single submitter. Criteria: Ambry Variant Classification Scheme 2023. Collection method: clinical testing. Allele origin: germline.

GeneDx
Classification: Benign. Last evaluated: 2015-03-03. Review status: criteria provided, single submitter. Criteria: GeneDx Variant Classification Process June 2021. Collection method: clinical testing. Allele origin: germline. Affected: yes.
Comment: This variant is associated with the following publications: (PMID: 24237251, 24025405, 21315846, 19926015, 19597050, 25569433, 27153395, 26332594, 28404607, 25925909, 30403697)

Eurofins Ntd Llc (ga)
Classification: Benign. Last evaluated: 2015-01-09. Review status: criteria provided, single submitter. Criteria: EGL Classification Definitions 2015. Collection method: clinical testing. Allele origin: germline. Observed: 2 variant alleles, 2 heterozygotes.

Biesecker Lab/Clinical Genomics Section, National Institutes of Health
Classification: Benign. Last evaluated: 2013-06-24. Review status: criteria provided, single submitter. Criteria: Ng et al. (Circ Cardiovasc Genet. 2013). Collection method: research. Allele origin: unknown. Observed: 7 variant alleles. Study: ClinSeq.
Comment: The study set was not selected for affection status in relation to any cancer. Pathogenicity categories were based on literature curation. See Pubmed ID:23861362 for details.

Medical sequencing

Laboratory for Molecular Medicine, Mass General Brigham Personalized Medicine
Classification: Benign. Last evaluated: 2012-03-19. Review status: criteria provided, single submitter. Criteria: LMM Criteria. Collection method: clinical testing. Allele origin: germline. Observed: 30 variant alleles.
Comment: Ala1136Val in exon 28 of RYR2: This variant is not expected to have clinical sig nificance because it has been identified in 1.2% (83/6844 chromosomes) of Europe an American chromosomes from a broad population by the NHBLI exome Sequencing Pr oject (dbSNP rs72549415).

Breakthrough Genomics
Classification: Likely benign. Review status: criteria provided, single submitter. Criteria: ACMG Guidelines, 2015. Collection method: not provided. Allele origin: germline. Inheritance: Autosomal dominant inheritance. Affected: yes.

Clinical Genetics DNA and cytogenetics Diagnostics Lab, Erasmus MC, Erasmus Medical Center
Classification: Benign. Review status: no assertion criteria provided. Collection method: clinical testing. Allele origin: germline. Affected: yes. Study: VKGL Data-share Consensus. Not counted in ClinVar's aggregate classification.

Clinical Genetics, Academic Medical Center
Classification: Benign. Review status: no assertion criteria provided. Collection method: clinical testing. Allele origin: germline. Affected: yes. Study: VKGL Data-share Consensus. Not counted in ClinVar's aggregate classification.

Diagnostic Laboratory, Department of Genetics, University Medical Center Groningen
Classification: Likely benign. Review status: no assertion criteria provided. Collection method: clinical testing. Allele origin: germline. Affected: yes. Study: VKGL Data-share Consensus. Not counted in ClinVar's aggregate classification.

Genome Diagnostics Laboratory, University Medical Center Utrecht
Classification: Likely benign. Review status: no assertion criteria provided. Collection method: clinical testing. Allele origin: germline. Affected: yes. Study: VKGL Data-share Consensus. Not counted in ClinVar's aggregate classification.

Joint Genome Diagnostic Labs from Nijmegen and Maastricht, Radboudumc and MUMC+
Classification: Benign. Review status: no assertion criteria provided. Collection method: clinical testing. Allele origin: germline. Affected: yes. Study: VKGL Data-share Consensus. Not counted in ClinVar's aggregate classification.

Laboratory of Diagnostic Genome Analysis, Leiden University Medical Center (LUMC)
Classification: Likely benign. Review status: no assertion criteria provided. Collection method: clinical testing. Allele origin: germline. Affected: yes. Study: VKGL Data-share Consensus. Not counted in ClinVar's aggregate classification.

Literature cited by the submitters: PubMed 21315846 (cited by Illumina Laboratory Services, Illumina); PubMed 19926015 (cited by 3 submitters); PubMed 19597050 (cited by Illumina Laboratory Services, Illumina and Laboratory for Molecular Medicine, Mass General Brigham Personalized Medicine); PubMed 17558603 (cited by Illumina Laboratory Services, Illumina); PubMed 22677073 (cited by Eurofins Ntd Llc (ga)); PubMed 24025405 (cited by Eurofins Ntd Llc (ga)).

NM_001035.3(RYR2):c.3407C>T (p.Ala1136Val)

Gene: RYR2 (ryanodine receptor 2; plus strand). Cytogenetic location: 1q43.
Variant type: single nucleotide variant.
Coding change: c.3407C>T on transcript NM_001035.3 (MANE Select); coding-DNA position 3407, C replaced by T.
Protein change: p.Ala1136Val; replaces alanine 1136 with valine.
Molecular consequence: missense variant.
Genome position (GRCh38, 1-based): chr1:237,566,759, C>T. VCF-style: chr1-237566759-C-T. GRCh37 (hg19) VCF-style: chr1-237730059-C-T.
Other names: short protein forms A1136V.
Identifiers: ClinVar variation 43770 (VCV000043770.85), dbSNP rs72549415, ClinGen allele CA009220.
Genomic context (GRCh38, chr1:237,566,759, plus strand): 5'-GTTGGAGTCGTCCTGGTTGTCAACCGGATCAGGAGCTTGGCTCAGATGAACGTGCCTTTG[C>T]CTTTGATGGCTTCAAGGTGAGTGGACTTTGTCCTGTGCCAGTCATCTGTACGTGCTGGAG-3'
Protein context (NP_001026.2, residues 1126-1146): QELGSDERAF[Ala1136Val]FDGFKAQRWH